The following is an entry in ClinVar:

ClinVar aggregate classification (germline): Uncertain significance (1 of 4 stars; one submission).

Submission:

GeneDx
Classification: Uncertain significance. Last evaluated: 2024-02-23. Review status: criteria provided, single submitter. Criteria: GeneDx Variant Classification Process June 2021. Collection method: clinical testing. Allele origin: germline. Affected: yes.
Comment: Not observed at significant frequency in large population cohorts (gnomAD); In silico analysis supports that this missense variant has a deleterious effect on protein structure/function; Has not been previously published as pathogenic or benign to our knowledge; Variants in candidate genes are classified as variants of uncertain significance in accordance with ACMG guidelines (PMID: 25741868)

NM_001352913.2(PPP2R5C):c.816T>A (p.His272Gln)

Gene: PPP2R5C (protein phosphatase 2 regulatory subunit B'gamma; plus strand). Cytogenetic location: 14q32.31.
Variant type: single nucleotide variant.
Coding change: c.816T>A on transcript NM_001352913.2 (MANE Select); coding-DNA position 816, T replaced by A.
Protein change: p.His272Gln; replaces histidine 272 with glutamine.
Molecular consequence: missense variant.
Genome position (GRCh38, 1-based): chr14:101,890,258, T>A. VCF-style: chr14-101890258-T-A. GRCh37 (hg19) VCF-style: chr14-102356595-T-A.
Other names: c.744T>A, p.His248Gln (NM_001161725.2); c.816T>A, p.His272Gln (NM_001161726.2); c.651T>A, p.His217Gln (NM_001352912.1, NM_002719.4, NM_178586.3 and 1 more transcripts); c.831T>A, p.His277Gln (NM_001352914.2); c.426T>A, p.His142Gln (NM_001352915.2, NM_001352916.2); short protein forms H142Q, H217Q, H248Q, H272Q, H277Q.
Identifiers: ClinVar variation 3764225 (VCV003764225.1).